The following is an entry in ClinVar:

NM_001271938.2(MEGF8):c.8420G>A (p.Arg2807Gln)

Gene: MEGF8 (multiple EGF like domains 8; plus strand). Cytogenetic location: 19q13.2.
Variant type: single nucleotide variant.
Coding change: c.8420G>A on transcript NM_001271938.2 (MANE Select); coding-DNA position 8420, G replaced by A.
Protein change: p.Arg2807Gln; replaces arginine 2807 with glutamine.
Molecular consequence: missense variant.
Genome position (GRCh38, 1-based): chr19:42,376,657, G>A. VCF-style: chr19-42376657-G-A. GRCh37 (hg19) VCF-style: chr19-42880809-G-A.
Other names: c.8219G>A, p.Arg2740Gln (NM_001410.3); short protein forms R2740Q, R2807Q.
Identifiers: ClinVar variation 3377712 (VCV003377712.2).
Genomic context (GRCh38, chr19:42,376,657, plus strand): 5'-TGCCTGGCGGGCCCCATGCACCCAACGGCGCCTGCCTGGGGTCAGCCCTCGTCACACTGC[G>A]GCACAGGCTGCACGAGTACTGTGGGGGTGGTGGGGGTGCTGGGGGCAGTGGGCATGGGAC-3'
Protein context (NP_001258867.1, residues 2797-2817): ACLGSALVTL[Arg2807Gln]HRLHEYCGGG

ClinVar aggregate classification (germline): Uncertain significance. Review status: criteria provided, multiple submitters, no conflicts (2 of 4 stars). 2 submissions from 2 submitters: Uncertain significance (2). Last evaluated 2024-10-10.

Conditions:
MEGF8-related Carpenter syndrome. Also called: Carpenter syndrome 2. Identifiers: Orphanet 65759, MedGen C3554247, MONDO:0013998, OMIM 614976.

gnomAD v4.1: 147 of 1,537,246 alleles (0.0096%); highest among the groups gnomAD compares: South Asian, 0.13%; no homozygotes.

Submissions (2):

Blueprint Genetics
Classification: Uncertain significance. Last evaluated: 2024-10-10. Review status: criteria provided, single submitter. Criteria: ACMG Guidelines, 2015. Collection method: clinical testing. Allele origin: germline.

Neuberg Centre For Genomic Medicine, NCGM
Classification: Uncertain significance for MEGF8-related Carpenter syndrome. Review status: criteria provided, single submitter. Criteria: ACMG Guidelines, 2015. Collection method: clinical testing. Allele origin: germline. Inheritance: Autosomal recessive inheritance. Affected: yes.
Comment: The observed missense c.8420G>A(p.Arg2807Gln) variant in MEGF8 gene has not been reported previously as a pathogenic variant nor a benign variant, to our knowledge. The p.Arg2807Gln variant is present with 0.02% in gnomAD Exomes. This variant has not been submitted to the ClinVar database. Multiple lines of computational evidences (Polyphen - Probably damaging, SIFT - Damaging and MutationTaster - Disease causing) predict a damaging effect on protein structure and function for this variant. The reference amino acid change at this position on MEGF8 gene is predicted as conserved by GERP++ and PhyloP across 100 vertebrates. The amino acid Arg at position 2807 is changed to a Gln changing protein sequence and it might alter its composition and physico-chemical properties. For these reasons, this variant has been classified as a Variant of Uncertain Significance (VUS).